The following is an entry in ClinVar:

NM_015178.3(RHOBTB2):c.1894C>T (p.Leu632Phe)

Gene: RHOBTB2 (Rho related BTB domain containing 2; plus strand). Cytogenetic location: 8p21.3.
Variant type: single nucleotide variant.
Coding change: c.1894C>T on transcript NM_015178.3 (MANE Select); coding-DNA position 1894, C replaced by T.
Protein change: p.Leu632Phe; replaces leucine 632 with phenylalanine.
Molecular consequence: missense variant.
Genome position (GRCh38, 1-based): chr8:23,015,671, C>T. VCF-style: chr8-23015671-C-T. GRCh37 (hg19) VCF-style: chr8-22873184-C-T.
Other names: c.1960C>T, p.Leu654Phe (NM_001160036.2); c.1915C>T, p.Leu639Phe (NM_001160037.2); c.1894C>T, p.Leu632Phe (NM_001374791.1); short protein forms L632F, L639F, L654F.
Identifiers: ClinVar variation 1520675 (VCV001520675.6), dbSNP rs2128808112, ClinGen allele CA370575674.

ClinVar aggregate classification (germline): Uncertain significance (1 of 4 stars; one submission).

Submission:

Labcorp Genetics (formerly Invitae), Labcorp
Classification: Uncertain significance. Last evaluated: 2021-09-21. Review status: criteria provided, single submitter. Criteria: Invitae Variant Classification Sherloc (09022015). Collection method: clinical testing. Allele origin: germline.
Comment: This sequence change replaces leucine with phenylalanine at codon 654 of the RHOBTB2 protein (p.Leu654Phe). The leucine residue is highly conserved and there is a small physicochemical difference between leucine and phenylalanine. This variant is not present in population databases (ExAC no frequency). This variant has not been reported in the literature in individuals affected with RHOBTB2-related conditions. Algorithms developed to predict the effect of missense changes on protein structure and function are either unavailable or do not agree on the potential impact of this missense change (SIFT: "Deleterious"; PolyPhen-2: "Possibly Damaging"; Align-GVGD: "Class C0"). In summary, the available evidence is currently insufficient to determine the role of this variant in disease. Therefore, it has been classified as a Variant of Uncertain Significance.